The following is an entry in ClinVar:

ClinVar aggregate classification (germline): Uncertain significance (1 of 4 stars; one submission).

Allele frequency attached by ClinVar (database versions not stated): gnomAD exomes below 0.00001.
gnomAD v4.1: 2 of 1,600,986 alleles (0.00012%); highest among the groups gnomAD compares: South Asian, 0.0022%; no homozygotes.

Submission:

GeneDx
Classification: Uncertain significance. Last evaluated: 2022-09-06. Review status: criteria provided, single submitter. Criteria: GeneDx Variant Classification Process June 2021. Collection method: clinical testing. Allele origin: germline. Affected: yes.
Comment: Not observed at significant frequency in large population cohorts (gnomAD); In silico analysis supports that this missense variant has a deleterious effect on protein structure/function; Has not been previously published as pathogenic or benign to our knowledge

NM_014159.7(SETD2):c.1454C>T (p.Thr485Ile)

Gene: SETD2 (SET domain containing 2, histone lysine methyltransferase; minus strand). Cytogenetic location: 3p21.31.
Variant type: single nucleotide variant.
Coding change: c.1454C>T on transcript NM_014159.7 (MANE Select); coding-DNA position 1454, C replaced by T.
Protein change: p.Thr485Ile; replaces threonine 485 with isoleucine.
Molecular consequence: missense variant. On other transcripts: non-coding transcript variant (1).
Genome position (GRCh38, 1-based): chr3:47,123,182, G>A on the plus strand (C>T on the coding strand, the complement: SETD2 is on the minus strand). VCF-style: chr3-47123182-G-A. GRCh37 (hg19) VCF-style: chr3-47164672-G-A.
Other names: c.1322C>T, p.Thr441Ile (NM_001349370.3); short protein forms T441I, T485I.
Identifiers: ClinVar variation 2442644 (VCV002442644.1), dbSNP rs2106697352, ClinGen allele CA352530555.